The following is an entry in ClinVar:

ClinVar aggregate classification (germline): Benign (1 of 4 stars; one submission).

Conditions:
Auriculocondylar syndrome 2 (ARCND2A). Also called: AURICULOCONDYLAR SYNDROME 2A. Identifiers: Orphanet 137888, MedGen C3553404, MONDO:0013845, OMIM 614669.

Allele frequency attached by ClinVar (database versions not stated): 1000 Genomes Project 0.00499; 1000 Genomes Project 30x 0.00515; gnomAD 0.00549 and 0.00591; TOPMed 0.00680.

Submission:

Illumina Laboratory Services, Illumina
Classification: Benign for Auriculocondylar syndrome 2. Last evaluated: 2018-01-13. Review status: criteria provided, single submitter. Criteria: ICSL Variant Classification Criteria 13 December 2019. Collection method: clinical testing. Allele origin: germline.
Comment: This variant was observed in the ICSL laboratory as part of a predisposition screen in an ostensibly healthy population. It had not been previously curated by ICSL or reported in the Human Gene Mutation Database (HGMD: prior to June 1st, 2018), and was therefore a candidate for classification through an automated scoring system. Utilizing variant allele frequency, disease prevalence and penetrance estimates, and inheritance mode, an automated score was calculated to assess if this variant is too frequent to cause the disease. Based on the score and internal cut-off values, a variant classified as benign is not then subjected to further curation. The score for this variant resulted in a classification of benign for this disease.

NM_001377142.1(PLCB4):c.*1202G>A

Gene: PLCB4 (phospholipase C beta 4; plus strand). Cytogenetic location: 20p12.2.
Variant type: single nucleotide variant.
Coding change: c.*1202G>A on transcript NM_001377142.1 (MANE Select); 1202 bases downstream of the stop codon, G replaced by A.
Molecular consequence: 3 prime UTR variant.
Genome position (GRCh38, 1-based): chr20:9,480,211, G>A. VCF-style: chr20-9480211-G-A. GRCh37 (hg19) VCF-style: chr20-9460858-G-A.
Other names: c.*1202G>A (NM_000933.4, NM_001377134.2, NM_001377135.1 and 1 more transcripts); c.*1222G>A (NM_001172646.2, NM_001377136.1, NM_182797.3).
Identifiers: ClinVar variation 339611 (VCV000339611.5), dbSNP rs114009007, ClinGen allele CA10644499.